The following is an entry in ClinVar:

ClinVar aggregate classification (germline): Conflicting classifications of pathogenicity. Review status: criteria provided, conflicting classifications (1 of 4 stars). 3 submissions from 2 submitters: Uncertain significance (1); Benign (2). Last evaluated 2022-05-01.

Conditions:
Sacral defect with anterior meningocele. Identifiers: MedGen C1838568, OMIM 600145.
Neural tube defect (NTD). Also called: Neural tube defects. Identifiers: Orphanet 3388, Orphanet 823, MedGen C0027794, MONDO:0018075, HP:0045005.

Allele frequency attached by ClinVar (database versions not stated): 1000 Genomes Project 30x 0.00187; 1000 Genomes Project 0.00200; gnomAD 0.00362 and 0.00381; TOPMed 0.00380.

Submissions (3):

CeGaT Center for Human Genetics Tuebingen
Classification: Benign. Last evaluated: 2022-05-01. Review status: criteria provided, single submitter. Criteria: CeGaT Center For Human Genetics Tuebingen Variant Classification Criteria Version 2. Collection method: clinical testing. Allele origin: germline. Affected: yes. Observed: 2 variant alleles.
Comment: VANGL1: BS1, BS2

Illumina Laboratory Services, Illumina
Classification: Uncertain significance for Neural tube defects, susceptibility to. Last evaluated: 2018-01-13. Review status: criteria provided, single submitter. Criteria: ICSL Variant Classification Criteria 13 December 2019. Collection method: clinical testing. Allele origin: germline.

Illumina Laboratory Services, Illumina
Classification: Benign for Sacral defect with anterior meningocele. Last evaluated: 2018-01-13. Review status: criteria provided, single submitter. Criteria: ICSL Variant Classification Criteria 13 December 2019. Collection method: clinical testing. Allele origin: germline.
Comment: This variant was observed in the ICSL laboratory as part of a predisposition screen in an ostensibly healthy population. It had not been previously curated by ICSL or reported in the Human Gene Mutation Database (HGMD: prior to June 1st, 2018), and was therefore a candidate for classification through an automated scoring system. Utilizing variant allele frequency, disease prevalence and penetrance estimates, and inheritance mode, an automated score was calculated to assess if this variant is too frequent to cause the disease. Based on the score and internal cut-off values, a variant classified as benign is not then subjected to further curation. The score for this variant resulted in a classification of benign for this disease.

NM_138959.3(VANGL1):c.*3608C>T

Gene: VANGL1 (VANGL planar cell polarity protein 1; plus strand). Cytogenetic location: 1p13.1.
Variant type: single nucleotide variant.
Coding change: c.*3608C>T on transcript NM_138959.3 (MANE Select); 3608 bases downstream of the stop codon, C replaced by T.
Molecular consequence: 3 prime UTR variant.
Genome position (GRCh38, 1-based): chr1:115,694,987, C>T. VCF-style: chr1-115694987-C-T. GRCh37 (hg19) VCF-style: chr1-116237608-C-T.
Other names: c.*3608C>T (NM_001172411.2, NM_001172412.2).
Identifiers: ClinVar variation 875787 (VCV000875787.28), dbSNP rs555833838, ClinGen allele CA29599972.